The following is an entry in ClinVar:

NM_006019.4(TCIRG1):c.271C>T (p.Pro91Ser)

Gene: TCIRG1 (T cell immune regulator 1, ATPase H+ transporting V0 subunit a3; plus strand). Cytogenetic location: 11q13.2.
Variant type: single nucleotide variant.
Coding change: c.271C>T on transcript NM_006019.4 (MANE Select); coding-DNA position 271, C replaced by T.
Protein change: p.Pro91Ser; replaces proline 91 with serine.
Molecular consequence: missense variant. On other transcripts: 5 prime UTR variant (1).
Genome position (GRCh38, 1-based): chr11:68,042,717, C>T. VCF-style: chr11-68042717-C-T. GRCh37 (hg19) VCF-style: chr11-67810184-C-T.
Other names: c.-979C>T (NM_001351059.2); c.271C>T (NM_006019.3); short protein forms P91S.
Identifiers: ClinVar variation 1435963 (VCV001435963.8), dbSNP rs1383427902, ClinGen allele CA381575594.
Genomic context (GRCh38, chr11:68,042,717, plus strand): 5'-GAGGTGCGGCGGGCTGGGCTGGTCCTGCCCCCGCCAAAGGGGAGGCTGCCGGCACCCCCA[C>T]CCCGGGACCTGCTGCGCATCCAGGAGGAGACGGAGCGCCTGGCCCAGGAGCTGCGGGATG-3'
Protein context (NP_006010.2, residues 81-101): PPKGRLPAPP[Pro91Ser]RDLLRIQEET

ClinVar aggregate classification (germline): Uncertain significance (1 of 4 stars; one submission).

Conditions:
Autosomal recessive osteopetrosis 1. Also called: ALBERS-SCHONBERG DISEASE, AUTOSOMAL RECESSIVE; TCIRG1-Related Osteopetrosis; TCIRG1-Related Autosomal Recessive Osteopetrosis. Identifiers: Orphanet 667, MedGen C1850127, MONDO:0009815, OMIM 259700.

Allele frequency attached by ClinVar (database versions not stated): gnomAD 0.00001; gnomAD exomes 0.00001; TOPMed 0.00002.
gnomAD v4.1: 4 of 1,546,414 alleles (0.00026%); highest among the groups gnomAD compares: Admixed American, 0.0079%; no homozygotes.

Submission:

Labcorp Genetics (formerly Invitae), Labcorp
Classification: Uncertain significance. Last evaluated: 2025-12-26. Review status: criteria provided, single submitter. Criteria: Invitae Variant Classification Sherloc (09022015). Collection method: clinical testing. Allele origin: germline.
Comment: This sequence change replaces proline, which is neutral and non-polar, with serine, which is neutral and polar, at codon 91 of the TCIRG1 protein (p.Pro91Ser). This variant is present in population databases (no rsID available, gnomAD 0.008%). This variant has not been reported in the literature in individuals affected with TCIRG1-related conditions. ClinVar contains an entry for this variant (Variation ID: 1435963). Invitae Evidence Modeling of protein sequence and biophysical properties (such as structural, functional, and spatial information, amino acid conservation, physicochemical variation, residue mobility, and thermodynamic stability) indicates that this missense variant is not expected to disrupt TCIRG1 protein function with a negative predictive value of 80%. In summary, the available evidence is currently insufficient to determine the role of this variant in disease. Therefore, it has been classified as a Variant of Uncertain Significance.